The following is an entry in ClinVar:

ClinVar aggregate classification (germline): Likely benign. Review status: criteria provided, multiple submitters, no conflicts (2 of 4 stars). 2 submissions from 2 submitters: Likely benign (2). Last evaluated 2024-12-18.

Allele frequency attached by ClinVar (database versions not stated): gnomAD exomes below 0.00001.
gnomAD v4.1: 1 of 1,614,072 alleles (0.000062%); highest among the groups gnomAD compares: Admixed American, 0.0017%; no homozygotes.

Submissions (2):

Mayo Clinic Laboratories, Mayo Clinic
Classification: Likely benign. Last evaluated: 2024-12-18. Review status: criteria provided, single submitter. Criteria: ACMG Guidelines, 2015. Collection method: clinical testing. Allele origin: germline. Observed: 1 variant allele.
Comment: BP4, BP7, PM2_supporting

Labcorp Genetics (formerly Invitae), Labcorp
Classification: Likely benign. Last evaluated: 2024-02-23. Review status: criteria provided, single submitter. Criteria: Invitae Variant Classification Sherloc (09022015). Collection method: clinical testing. Allele origin: germline.

NM_022788.5(P2RY12):c.469T>C (p.Leu157=)

Genes: MED12L (mediator complex subunit 12L; plus strand), P2RY12 (purinergic receptor P2Y12; minus strand). Cytogenetic location: 3q25.1.
Variant type: single nucleotide variant.
Coding change: c.469T>C on transcript NM_022788.5 (MANE Select); coding-DNA position 469, T replaced by C.
Protein change: p.Leu157=; no amino-acid change (leucine 157 retained).
Molecular consequence: synonymous variant. On other transcripts: intron variant (2).
Genome position (GRCh38, 1-based): chr3:151,338,377, A>G on the plus strand (T>C on the coding strand, the complement: P2RY12 is on the minus strand). VCF-style: chr3-151338377-A-G. GRCh37 (hg19) VCF-style: chr3-151056165-A-G.
Other names: p.Leu157=; c.469T>C, p.Leu157= (NM_176876.3); c.2251-11682A>G (NM_001393769.1); c.2146-11682A>G (NM_053002.6).
Identifiers: ClinVar variation 2818166 (VCV002818166.4), dbSNP rs1191798844, ClinGen allele CA436396246.
Genomic context (GRCh38, chr3:151,338,377, plus strand): 5'-AAGAGCATTTCTTCACATTCTTGTCTCTCGGCTGCCTGTTGGTCAGAATCATGTTAGGCA[A>G]AGAGAGTAAGAACATGAATGCCCAGATGACAACAGAGAGAATCTTAGCCCCCAAGAGATT-3'
Protein context (NP_073625.1, residues 147-167): VIWAFMFLLS[Leu157=]PNMILTNRQP